The following is an entry in ClinVar:

NM_000276.4(OCRL):c.1367A>G (p.Gln456Arg)

Gene: OCRL (OCRL inositol polyphosphate-5-phosphatase; plus strand). Cytogenetic location: Xq26.1.
Variant type: single nucleotide variant.
Coding change: c.1367A>G on transcript NM_000276.4 (MANE Select); coding-DNA position 1367, A replaced by G.
Protein change: p.Gln456Arg; replaces glutamine 456 with arginine.
Molecular consequence: missense variant.
Genome position (GRCh38, 1-based): chrX:129,567,264, A>G. VCF-style: chrX-129567264-A-G. GRCh37 (hg19) VCF-style: chrX-128701241-A-G.
Other names: c.1370A>G, p.Gln457Arg (NM_001318784.2); c.1367A>G, p.Gln456Arg (NM_001587.4); short protein forms Q456R, Q457R.
Identifiers: ClinVar variation 2006823 (VCV002006823.4), dbSNP rs1569460215, ClinGen allele CA414615488.

ClinVar aggregate classification (germline): Uncertain significance (1 of 4 stars; one submission).

Conditions:
Lowe syndrome (OCRL). Also called: LOWE OCULOCEREBRORENAL SYNDROME; PHOSPHATIDYLINOSITOL 4,5-BISPHOSPHATE 5-PHOSPHATASE DEFICIENCY; Oculocerebrorenal Syndrome. Identifiers: Orphanet 534, MedGen C0028860, MONDO:0010645, OMIM 309000.

Submission:

Labcorp Genetics (formerly Invitae), Labcorp
Classification: Uncertain significance for Lowe syndrome. Last evaluated: 2022-06-15. Review status: criteria provided, single submitter. Criteria: Invitae Variant Classification Sherloc (09022015). Collection method: clinical testing. Allele origin: germline.
Comment: Advanced modeling of protein sequence and biophysical properties (such as structural, functional, and spatial information, amino acid conservation, physicochemical variation, residue mobility, and thermodynamic stability) performed at Invitae indicates that this missense variant is expected to disrupt OCRL protein function. In summary, the available evidence is currently insufficient to determine the role of this variant in disease. Therefore, it has been classified as a Variant of Uncertain Significance. This variant has not been reported in the literature in individuals affected with OCRL-related conditions. This variant is not present in population databases (gnomAD no frequency). This sequence change replaces glutamine, which is neutral and polar, with arginine, which is basic and polar, at codon 456 of the OCRL protein (p.Gln456Arg).